The following is an entry in ClinVar:

ClinVar aggregate classification (germline): Uncertain significance (1 of 4 stars; one submission).

gnomAD v4.1: 4 of 1,611,248 alleles (0.00025%); highest among the groups gnomAD compares: South Asian, 0.0044%; no homozygotes.

Submission:

GeneDx
Classification: Uncertain significance. Last evaluated: 2025-01-16. Review status: criteria provided, single submitter. Criteria: GeneDx Variant Classification Process June 2021. Collection method: clinical testing. Allele origin: germline. Affected: yes.
Comment: Not observed at significant frequency in large population cohorts (gnomAD); In silico analysis supports that this missense variant has a deleterious effect on protein structure/function; Has not been previously published as pathogenic or benign to our knowledge

NM_170606.3(KMT2C):c.13820G>C (p.Gly4607Ala)

Gene: KMT2C (lysine methyltransferase 2C; minus strand). Cytogenetic location: 7q36.1.
Variant type: single nucleotide variant.
Coding change: c.13820G>C on transcript NM_170606.3 (MANE Select); coding-DNA position 13820, G replaced by C.
Protein change: p.Gly4607Ala; replaces glycine 4607 with alanine.
Molecular consequence: missense variant.
Genome position (GRCh38, 1-based): chr7:152,148,107, C>G on the plus strand (G>C on the coding strand, the complement: KMT2C is on the minus strand). VCF-style: chr7-152148107-C-G. GRCh37 (hg19) VCF-style: chr7-151845192-C-G.
Other names: short protein forms G4607A.
Identifiers: ClinVar variation 4071655 (VCV004071655.1).